The following is an entry in ClinVar:

ClinVar aggregate classification (germline): Uncertain significance (1 of 4 stars; one submission).

gnomAD v4.1: 12 of 1,248,564 alleles (0.00096%); highest among the groups gnomAD compares: African/African-American, 0.014%; 1 homozygote.

Submission:

Ambry Genetics
Classification: Uncertain significance. Last evaluated: 2026-01-21. Review status: criteria provided, single submitter. Criteria: Ambry Variant Classification Scheme 2023. Collection method: clinical testing. Allele origin: germline.
Comment: The c.9523G>A (p.A3175T) alteration is located in exon 7 (coding exon 7) of the AHNAK2 gene. This alteration results from a G to A substitution at nucleotide position 9523, causing the alanine (A) at amino acid position 3175 to be replaced by a threonine (T). Based on data from gnomAD, the A allele has an overall frequency of <0.001% (1/205074) total alleles studied. The highest observed frequency was 0.007% (1/14816) of African alleles. Based on insufficient or conflicting evidence, the clinical significance of this alteration remains unclear.

NM_138420.4(AHNAK2):c.9523G>A (p.Ala3175Thr)

Gene: AHNAK2 (AHNAK nucleoprotein 2; minus strand). Cytogenetic location: 14q32.33.
Variant type: single nucleotide variant.
Coding change: c.9523G>A on transcript NM_138420.4 (MANE Select); coding-DNA position 9523, G replaced by A.
Protein change: p.Ala3175Thr; replaces alanine 3175 with threonine.
Molecular consequence: missense variant.
Genome position (GRCh38, 1-based): chr14:104,945,928, C>T on the plus strand (G>A on the coding strand, the complement: AHNAK2 is on the minus strand). VCF-style: chr14-104945928-C-T. GRCh37 (hg19) VCF-style: chr14-105412265-C-T.
Other names: c.9223G>A, p.Ala3075Thr (NM_001350929.2); short protein forms A3075T, A3175T.
Identifiers: ClinVar variation 4839659 (VCV004839659.1).